The following is an entry in ClinVar:

NM_153676.4(USH1C):c.20G>A (p.Arg7Gln)

Gene: USH1C (USH1 protein network component harmonin; minus strand). Cytogenetic location: 11p15.1.
Variant type: single nucleotide variant.
Coding change: c.20G>A on transcript NM_153676.4 (MANE Select); coding-DNA position 20, G replaced by A.
Protein change: p.Arg7Gln; replaces arginine 7 with glutamine.
Molecular consequence: missense variant. On other transcripts: non-coding transcript variant (1).
Genome position (GRCh38, 1-based): chr11:17,544,288, C>T on the plus strand (G>A on the coding strand, the complement: USH1C is on the minus strand). VCF-style: chr11-17544288-C-T. GRCh37 (hg19) VCF-style: chr11-17565835-C-T.
Other names: c.20G>A, p.Arg7Gln (NM_001297764.2, NM_005709.4); short protein forms R7Q.
Identifiers: ClinVar variation 1954005 (VCV001954005.5), dbSNP rs777396814, ClinGen allele CA5905294.

ClinVar aggregate classification (germline): Uncertain significance (1 of 4 stars; one submission).

Allele frequency attached by ClinVar (database versions not stated): TOPMed below 0.00001; ExAC 0.00001; gnomAD 0.00001.
gnomAD v4.1: 2 of 1,613,946 alleles (0.00012%); highest among the groups gnomAD compares: Admixed American, 0.0017%; no homozygotes.

Submission:

Labcorp Genetics (formerly Invitae), Labcorp
Classification: Uncertain significance. Last evaluated: 2022-03-31. Review status: criteria provided, single submitter. Criteria: Invitae Variant Classification Sherloc (09022015). Collection method: clinical testing. Allele origin: germline.
Comment: This variant has not been reported in the literature in individuals affected with USH1C-related conditions. This variant is present in population databases (rs777396814, gnomAD 0.003%). This sequence change replaces arginine, which is basic and polar, with glutamine, which is neutral and polar, at codon 7 of the USH1C protein (p.Arg7Gln). Algorithms developed to predict the effect of missense changes on protein structure and function (SIFT, PolyPhen-2, Align-GVGD) all suggest that this variant is likely to be tolerated. In summary, the available evidence is currently insufficient to determine the role of this variant in disease. Therefore, it has been classified as a Variant of Uncertain Significance.